The following is an entry in ClinVar:

NM_004284.6(CHD1L):c.2277C>T (p.Ser759=)

Gene: CHD1L (chromodomain helicase DNA binding protein 1 like; plus strand). Cytogenetic location: 1q21.1.
Variant type: single nucleotide variant.
Coding change: c.2277C>T on transcript NM_004284.6 (MANE Select); coding-DNA position 2277, C replaced by T.
Protein change: p.Ser759=; no amino-acid change (serine 759 retained).
Molecular consequence: synonymous variant. On other transcripts: non-coding transcript variant (16).
Genome position (GRCh38, 1-based): chr1:147,287,690, C>T. VCF-style: chr1-147287690-C-T. GRCh37 (hg19) VCF-style: chr1-146759369-C-T.
Other names: c.1977C>T, p.Ser659= (NM_001256336.3); c.1434C>T, p.Ser478= (NM_001256337.3, NM_001348456.2, NM_001348457.2 and 9 more transcripts); c.1665C>T, p.Ser555= (NM_001256338.3); c.2061C>T, p.Ser687= (NM_001348451.2, NM_001348452.2); c.1938C>T, p.Ser646= (NM_001348453.2, NM_024568.4); c.1821C>T, p.Ser607= (NM_001348454.2); c.1788C>T, p.Ser596= (NM_001348455.2).
Identifiers: ClinVar variation 783296 (VCV000783296.8), dbSNP rs72999656, ClinGen allele CA1064037.

ClinVar aggregate classification (germline): Benign. Review status: criteria provided, multiple submitters, no conflicts (2 of 4 stars). 4 submissions from 4 submitters: Benign (3). 1 of the submissions does not count toward it. Last evaluated 2019-12-31.

Conditions:
CHD1L-related disorder. Also called: CHD1L-related condition.

Allele frequency attached by ClinVar (database versions not stated): gnomAD exomes 0.00370 and 0.00136; gnomAD 0.01415 and 0.01513; ESP Exome Variant Server 0.01569; 1000 Genomes Project 0.01797; ExAC 0.00453; TOPMed 0.01571; 1000 Genomes Project 30x 0.02046.
gnomAD v4.1: 4,223 of 1,613,868 alleles (0.26%); highest among the groups gnomAD compares: African/African-American, 5%; 81 homozygotes.

Submissions (4):

Labcorp Genetics (formerly Invitae), Labcorp
Classification: Benign. Last evaluated: 2019-12-31. Review status: criteria provided, single submitter. Criteria: Invitae Variant Classification Sherloc (09022015). Collection method: clinical testing. Allele origin: germline.

GeneDx
Classification: Benign. Last evaluated: 2018-11-10. Review status: criteria provided, single submitter. Criteria: GeneDx Variant Classification Process June 2021. Collection method: clinical testing. Allele origin: germline. Affected: yes.

Breakthrough Genomics
Classification: Benign. Review status: criteria provided, single submitter. Criteria: ACMG Guidelines, 2015. Collection method: not provided. Allele origin: germline. Inheritance: Unknown mechanism. Affected: yes.

PreventionGenetics, part of Exact Sciences
Classification: Benign for CHD1L-related condition. Last evaluated: 2019-03-26. Review status: no assertion criteria provided. Collection method: clinical testing. Allele origin: germline. Not counted in ClinVar's aggregate classification.
Comment: This variant is classified as benign based on ACMG/AMP sequence variant interpretation guidelines (Richards et al. 2015 PMID: 25741868, with internal and published modifications).